The following is an entry in ClinVar:

NM_001371623.1(TCOF1):c.1997C>A (p.Pro666His)

Gene: TCOF1 (treacle ribosome biogenesis factor 1; plus strand). Cytogenetic location: 5q32.
Variant type: single nucleotide variant.
Coding change: c.1997C>A on transcript NM_001371623.1 (MANE Select); coding-DNA position 1997, C replaced by A.
Protein change: p.Pro666His; replaces proline 666 with histidine.
Molecular consequence: missense variant.
Genome position (GRCh38, 1-based): chr5:150,376,185, C>A. VCF-style: chr5-150376185-C-A. GRCh37 (hg19) VCF-style: chr5-149755748-C-A.
Other names: c.1766C>A, p.Pro589His (NM_000356.4, NM_001135245.2); c.1997C>A, p.Pro666His (NM_001008657.3, NM_001135243.2, NM_001135244.2 and 1 more transcripts); short protein forms P666H, P589H.
Identifiers: ClinVar variation 2991493 (VCV002991493.3), dbSNP rs2533512335, ClinGen allele CA361752295.

ClinVar aggregate classification (germline): Uncertain significance (1 of 4 stars; one submission).

Conditions:
Treacher Collins syndrome 1 (TCS1). Also called: TCOF1-Related Treacher Collins Syndrome. Identifiers: Orphanet 861, MedGen CN315775, MONDO:0007944, OMIM 154500.

Submission:

Labcorp Genetics (formerly Invitae), Labcorp
Classification: Uncertain significance for Treacher Collins syndrome 1. Last evaluated: 2023-01-31. Review status: criteria provided, single submitter. Criteria: Invitae Variant Classification Sherloc (09022015). Collection method: clinical testing. Allele origin: germline.
Comment: This sequence change replaces proline, which is neutral and non-polar, with histidine, which is basic and polar, at codon 666 of the TCOF1 protein (p.Pro666His). This variant is not present in population databases (gnomAD no frequency). This variant has not been reported in the literature in individuals affected with TCOF1-related conditions. Advanced modeling of protein sequence and biophysical properties (such as structural, functional, and spatial information, amino acid conservation, physicochemical variation, residue mobility, and thermodynamic stability) performed at Invitae indicates that this missense variant is not expected to disrupt TCOF1 protein function. In summary, the available evidence is currently insufficient to determine the role of this variant in disease. Therefore, it has been classified as a Variant of Uncertain Significance.